The following is an entry in ClinVar:

NM_015404.4(WHRN):c.1555A>G (p.Met519Val)

Gene: WHRN (whirlin; minus strand). Cytogenetic location: 9q32.
Variant type: single nucleotide variant.
Coding change: c.1555A>G on transcript NM_015404.4 (MANE Select); coding-DNA position 1555, A replaced by G.
Protein change: p.Met519Val; replaces methionine 519 with valine.
Molecular consequence: missense variant.
Genome position (GRCh38, 1-based): chr9:114,423,385, T>C on the plus strand (A>G on the coding strand, the complement: WHRN is on the minus strand). VCF-style: chr9-114423385-T-C. GRCh37 (hg19) VCF-style: chr9-117185665-T-C.
Other names: c.406A>G, p.Met136Val (NM_001083885.3); c.1555A>G, p.Met519Val (NM_001173425.2); c.502A>G, p.Met168Val (NM_001346890.1); short protein forms M136V, M168V, M519V.
Identifiers: ClinVar variation 914552 (VCV000914552.7), dbSNP rs768008029, ClinGen allele CA5205911.

ClinVar aggregate classification (germline): Uncertain significance. Review status: criteria provided, multiple submitters, no conflicts (2 of 4 stars). 3 submissions from 2 submitters: Uncertain significance (3). Last evaluated 2021-12-19.

Conditions:
Usher syndrome type 2D. Also called: USHER SYNDROME, TYPE IID. Identifiers: Orphanet 231178, Orphanet 886, MedGen C1568249, MONDO:0012662, OMIM 611383.
Autosomal recessive nonsyndromic hearing loss 31. Also called: WHIRLER, MOUSE, HOMOLOG OF. Identifiers: Orphanet 90636, MedGen C1846839, MONDO:0011767, OMIM 607084.

Allele frequency attached by ClinVar (database versions not stated): gnomAD exomes 0.00001; ExAC 0.00002; TOPMed 0.00002; gnomAD 0.00003 and 0.00004.

Submissions (3):

Labcorp Genetics (formerly Invitae), Labcorp
Classification: Uncertain significance. Last evaluated: 2021-12-19. Review status: criteria provided, single submitter. Criteria: Invitae Variant Classification Sherloc (09022015). Collection method: clinical testing. Allele origin: germline.
Comment: In summary, the available evidence is currently insufficient to determine the role of this variant in disease. Therefore, it has been classified as a Variant of Uncertain Significance. Algorithms developed to predict the effect of missense changes on protein structure and function output the following: SIFT: "Tolerated"; PolyPhen-2: "Benign"; Align-GVGD: "Class C0". The valine amino acid residue is found in multiple mammalian species, which suggests that this missense change does not adversely affect protein function. ClinVar contains an entry for this variant (Variation ID: 914552). This variant has not been reported in the literature in individuals affected with WHRN-related conditions. This variant is present in population databases (rs768008029, gnomAD 0.003%). This sequence change replaces methionine, which is neutral and non-polar, with valine, which is neutral and non-polar, at codon 519 of the WHRN protein (p.Met519Val).

Illumina Laboratory Services, Illumina
Classification: Uncertain significance for Autosomal recessive nonsyndromic hearing loss 31. Last evaluated: 2017-04-28. Review status: criteria provided, single submitter. Criteria: ICSL Variant Classification Criteria 13 December 2019. Collection method: clinical testing. Allele origin: germline.

Illumina Laboratory Services, Illumina
Classification: Uncertain significance for Usher syndrome type 2D. Last evaluated: 2017-04-28. Review status: criteria provided, single submitter. Criteria: ICSL Variant Classification Criteria 13 December 2019. Collection method: clinical testing. Allele origin: germline.